The following is an entry in ClinVar:

NM_001039469.3(MARK2):c.792G>C (p.Arg264Ser)

Gene: MARK2 (microtubule affinity regulating kinase 2; plus strand). Cytogenetic location: 11q13.1.
Variant type: single nucleotide variant.
Coding change: c.792G>C on transcript NM_001039469.3 (MANE Select); coding-DNA position 792, G replaced by C.
Protein change: p.Arg264Ser; replaces arginine 264 with serine.
Molecular consequence: missense variant.
Genome position (GRCh38, 1-based): chr11:63,900,582, G>C. VCF-style: chr11-63900582-G-C. GRCh37 (hg19) VCF-style: chr11-63668054-G-C.
Other names: c.792G>C, p.Arg264Ser (NM_001163296.2, NM_001163297.2, NM_004954.5); c.693G>C, p.Arg231Ser (NM_017490.4); short protein forms R231S, R264S.
Identifiers: ClinVar variation 4685232 (VCV004685232.2).

ClinVar aggregate classification (germline): Uncertain significance. Review status: criteria provided, multiple submitters, no conflicts (2 of 4 stars). 2 submissions from 2 submitters: Uncertain significance (2). Last evaluated 2025-07-16.

Submissions (2):

Labcorp Genetics (formerly Invitae), Labcorp
Classification: Uncertain significance. Last evaluated: 2025-07-16. Review status: criteria provided, single submitter. Criteria: Invitae Variant Classification Sherloc (09022015). Collection method: clinical testing. Allele origin: germline.
Comment: This sequence change replaces arginine, which is basic and polar, with serine, which is neutral and polar, at codon 231 of the MARK2 protein (p.Arg231Ser). This variant is not present in population databases (gnomAD no frequency). This variant has not been reported in the literature in individuals affected with MARK2-related conditions. An algorithm developed to predict the effect of missense changes on protein structure and function (PolyPhen-2) suggests that this variant is likely to be disruptive. In summary, the available evidence is currently insufficient to determine the role of this variant in disease. Therefore, it has been classified as a Variant of Uncertain Significance.

GeneDx
Classification: Uncertain significance. Last evaluated: 2025-07-06. Review status: criteria provided, single submitter. Criteria: GeneDx Variant Classification Process June 2021. Collection method: clinical testing. Allele origin: germline. Affected: yes.
Comment: Not observed at significant frequency in large population cohorts (gnomAD); In silico analysis supports that this missense variant has a deleterious effect on protein structure/function; Has not been previously published as pathogenic or benign to our knowledge